The following is an entry in ClinVar:

ClinVar aggregate classification (germline): Likely benign. Review status: criteria provided, multiple submitters, no conflicts (2 of 4 stars). 3 submissions from 3 submitters: Likely benign (3). Last evaluated 2025-09-13.

Conditions:
IMPG1-related disorder. Also called: IMPG1-related condition.

Allele frequency attached by ClinVar (database versions not stated): gnomAD exomes 0.00004 and 0.00006; ExAC 0.00007; ESP Exome Variant Server 0.00046.
gnomAD v4.1: 125 of 1,613,796 alleles (0.0077%); highest among the groups gnomAD compares: African/African-American, 0.13%; no homozygotes.

Submissions (3):

Labcorp Genetics (formerly Invitae), Labcorp
Classification: Likely benign. Last evaluated: 2025-09-13. Review status: criteria provided, single submitter. Criteria: Invitae Variant Classification Sherloc (09022015). Collection method: clinical testing. Allele origin: germline.

PreventionGenetics, part of Exact Sciences
Classification: Likely benign for IMPG1-related condition. Last evaluated: 2025-02-19. Review status: criteria provided, single submitter. Criteria: ACMG Guidelines, 2015. Collection method: clinical testing. Allele origin: germline.
Comment: This variant is classified as likely benign based on ACMG/AMP sequence variant interpretation guidelines (Richards et al. 2015 PMID: 25741868, with internal and published modifications).

Blueprint Genetics
Classification: Likely benign. Last evaluated: 2024-02-20. Review status: criteria provided, single submitter. Criteria: ACMG Guidelines, 2015. Collection method: clinical testing. Allele origin: germline.

NM_001563.4(IMPG1):c.1932A>G (p.Ser644=)

Gene: IMPG1 (interphotoreceptor matrix proteoglycan 1; minus strand). Cytogenetic location: 6q14.1.
Variant type: single nucleotide variant.
Coding change: c.1932A>G on transcript NM_001563.4 (MANE Select); coding-DNA position 1932, A replaced by G.
Protein change: p.Ser644=; no amino-acid change (serine 644 retained).
Molecular consequence: synonymous variant.
Genome position (GRCh38, 1-based): chr6:75,947,426, T>C on the plus strand (A>G on the coding strand, the complement: IMPG1 is on the minus strand). VCF-style: chr6-75947426-T-C. GRCh37 (hg19) VCF-style: chr6-76657143-T-C.
Other names: c.1932A>G (NM_001563.3); c.1698A>G, p.Ser566= (NM_001282368.2).
Identifiers: ClinVar variation 1160165 (VCV001160165.11), dbSNP rs139192386, ClinGen allele CA3898005.